The following is an entry in ClinVar:

NM_001002294.3(FMO3):c.628-1G>A

Gene: FMO3 (flavin containing dimethylaniline monoxygenase 3; plus strand). Cytogenetic location: 1q24.3.
Variant type: single nucleotide variant.
Coding change: c.628-1G>A on transcript NM_001002294.3 (MANE Select); the canonical splice acceptor site of the intron before coding-DNA position 628, G replaced by A.
Molecular consequence: splice acceptor variant.
Genome position (GRCh38, 1-based): chr1:171,110,797, G>A. VCF-style: chr1-171110797-G-A. GRCh37 (hg19) VCF-style: chr1-171079938-G-A.
Other names: c.439-1G>A (NM_001319174.2); c.568-1G>A (NM_001319173.2); c.628-1G>A (NM_006894.6).
Identifiers: ClinVar variation 2770970 (VCV002770970.3), dbSNP rs779056077, ClinGen allele CA1240616.

ClinVar aggregate classification (germline): Likely pathogenic (1 of 4 stars; one submission).

Allele frequency attached by ClinVar (database versions not stated): gnomAD exomes below 0.00001; ExAC 0.00001.
gnomAD v4.1: 6 of 1,613,832 alleles (0.00037%); highest among the groups gnomAD compares: Non-Finnish European, 0.00051%; no homozygotes.

Submission:

Labcorp Genetics (formerly Invitae), Labcorp
Classification: Likely pathogenic. Last evaluated: 2023-11-27. Review status: criteria provided, single submitter. Criteria: Invitae Variant Classification Sherloc (09022015). Collection method: clinical testing. Allele origin: germline.
Comment: This sequence change affects an acceptor splice site in intron 5 of the FMO3 gene. It is expected to disrupt RNA splicing. Variants that disrupt the donor or acceptor splice site typically lead to a loss of protein function (PMID: 16199547), and loss-of-function variants in FMO3 are known to be pathogenic (PMID: 20301282). This variant is present in population databases (rs779056077, gnomAD 0.002%). This variant has not been reported in the literature in individuals affected with FMO3-related conditions. Algorithms developed to predict the effect of sequence changes on RNA splicing suggest that this variant may disrupt the consensus splice site. In summary, the currently available evidence indicates that the variant is pathogenic, but additional data are needed to prove that conclusively. Therefore, this variant has been classified as Likely Pathogenic.

Literature cited by the submitters: PubMed 16199547; PubMed 20301282.